The following is an entry in ClinVar:

NM_012431.3(SEMA3E):c.739T>G (p.Phe247Val)

Gene: SEMA3E (semaphorin 3E; minus strand). Cytogenetic location: 7q21.11.
Variant type: single nucleotide variant.
Coding change: c.739T>G on transcript NM_012431.3 (MANE Select); coding-DNA position 739, T replaced by G.
Protein change: p.Phe247Val; replaces phenylalanine 247 with valine.
Molecular consequence: missense variant.
Genome position (GRCh38, 1-based): chr7:83,407,171, A>C on the plus strand (T>G on the coding strand, the complement: SEMA3E is on the minus strand). VCF-style: chr7-83407171-A-C. GRCh37 (hg19) VCF-style: chr7-83036487-A-C.
Other names: c.559T>G, p.Phe187Val (NM_001178129.2); short protein forms F187V, F247V.
Identifiers: ClinVar variation 2657649 (VCV002657649.24), dbSNP rs758661764, ClinGen allele CA4322227.

ClinVar aggregate classification (germline): Uncertain significance (1 of 4 stars; one submission).

Allele frequency attached by ClinVar (database versions not stated): ExAC 0.00001.

Submission:

CeGaT Center for Human Genetics Tuebingen
Classification: Uncertain significance. Last evaluated: 2023-09-01. Review status: criteria provided, single submitter. Criteria: CeGaT Center For Human Genetics Tuebingen Variant Classification Criteria Version 2. Collection method: clinical testing. Allele origin: germline. Affected: yes. Observed: 1 variant allele.
Comment: SEMA3E: PM2